The following is an entry in ClinVar:

ClinVar aggregate classification (germline): Pathogenic (1 of 4 stars; one submission).

Conditions:
Hereditary cancer-predisposing syndrome. Also called: Neoplastic Syndromes, Hereditary; Tumor predisposition; Hereditary neoplastic syndrome; Hereditary Cancer Syndrome. Identifiers: Orphanet 140162, MedGen C0027672, MeSH D009386, MONDO:0015356.

Submission:

Color Diagnostics, LLC DBA Color Health
Classification: Pathogenic for Hereditary cancer-predisposing syndrome. Last evaluated: 2020-01-15. Review status: criteria provided, single submitter. Criteria: ACMG Guidelines, 2015. Collection method: clinical testing. Allele origin: germline.
Comment: This variant inserts 1 nucleotide in exon 4 of the BARD1 gene, creating a frameshift and premature translation stop signal. This variant is expected to result in an absent or non-functional protein product. This variant has not been identified in the general population by the Genome Aggregation Database (gnomAD). Loss of BARD1 function is a known mechanism of disease. Based on the available evidence, this variant is classified as Pathogenic.

NM_000465.4(BARD1):c.999dup (p.Lys334Ter)

Gene: BARD1 (BRCA1 associated RING domain 1; minus strand). Cytogenetic location: 2q35.
Variant type: Duplication.
Coding change: c.999dup on transcript NM_000465.4 (MANE Select); coding-DNA position 999, one base duplicated (T; older notation c.999dupT).
Protein change: p.Lys334Ter; replaces lysine 334 with a stop codon.
Molecular consequence: nonsense. On other transcripts: non-coding transcript variant (2), intron variant (3).
Genome position (GRCh38, 1-based): chr2:214,780,875, A duplicated on the plus strand (T on the coding strand, the reverse complement: BARD1 is on the minus strand). VCF-style (leftmost placement, unchanged base first): chr2-214780874-T-TA. GRCh37 (hg19) VCF-style: chr2-215645598-T-TA.
Other names: c.942dup, p.Lys315Ter (NM_001282543.2); c.159-28320dup (NM_001282548.2); c.215+16186dup (NM_001282545.2); c.364+11422dup (NM_001282549.2); short protein forms K334*, K315*.
Identifiers: ClinVar variation 628786 (VCV000628786.4), dbSNP rs1559424302, ClinGen allele CA913188012.